The following is an entry in ClinVar:

ClinVar aggregate classification (germline): Uncertain significance (1 of 4 stars; one submission).

Conditions:
Cardiovascular phenotype. Identifiers: MedGen CN230736.

Allele frequency attached by ClinVar (database versions not stated): TOPMed below 0.00001; gnomAD 0.00002; gnomAD exomes 0.00004; ExAC 0.00008; 1000 Genomes Project 30x 0.00016; 1000 Genomes Project 0.00020.
gnomAD v4.1: 55 of 1,610,164 alleles (0.0034%); highest among the groups gnomAD compares: South Asian, 0.06%; no homozygotes.

Submission:

Ambry Genetics
Classification: Uncertain significance for Cardiovascular phenotype. Last evaluated: 2025-02-20. Review status: criteria provided, single submitter. Criteria: Ambry Variant Classification Scheme 2023. Collection method: clinical testing. Allele origin: germline.
Comment: The p.A114D variant (also known as c.341C>A), located in coding exon 1 of the LOX gene, results from a C to A substitution at nucleotide position 341. The alanine at codon 114 is replaced by aspartic acid, an amino acid with dissimilar properties. This amino acid position is conserved. In addition, this alteration is predicted to be tolerated by in silico analysis. Based on the available evidence, the clinical significance of this variant remains unclear.

NM_002317.7(LOX):c.341C>A (p.Ala114Asp)

Genes: LOX (lysyl oxidase; minus strand), SRFBP1 (serum response factor binding protein 1; plus strand). Cytogenetic location: 5q23.1.
Variant type: single nucleotide variant.
Coding change: c.341C>A on transcript NM_002317.7 (MANE Select); coding-DNA position 341, C replaced by A.
Protein change: p.Ala114Asp; replaces alanine 114 with aspartic acid.
Molecular consequence: missense variant.
Genome position (GRCh38, 1-based): chr5:122,077,645, G>T on the plus strand (C>A on the coding strand, the complement: LOX is on the minus strand). VCF-style: chr5-122077645-G-T. GRCh37 (hg19) VCF-style: chr5-121413340-G-T.
Other names: short protein forms A114D.
Identifiers: ClinVar variation 2596878 (VCV002596878.3), dbSNP rs533510800, ClinGen allele CA3384057.